The following is an entry in ClinVar:

NM_004631.5(LRP8):c.768C>G (p.Pro256=)

Gene: LRP8 (LDL receptor related protein 8; minus strand). Cytogenetic location: 1p32.3.
Variant type: single nucleotide variant.
Coding change: c.768C>G on transcript NM_004631.5 (MANE Select); coding-DNA position 768, C replaced by G.
Protein change: p.Pro256=; no amino-acid change (proline 256 retained).
Molecular consequence: synonymous variant. On other transcripts: intron variant (2).
Genome position (GRCh38, 1-based): chr1:53,276,807, G>C on the plus strand (C>G on the coding strand, the complement: LRP8 is on the minus strand). VCF-style: chr1-53276807-G-C. GRCh37 (hg19) VCF-style: chr1-53742479-G-C.
Other names: c.768C>G, p.Pro256= (NM_001018054.3); c.496+3780C>G (NM_033300.4); c.497-1054C>G (NM_017522.5).
Identifiers: ClinVar variation 3054977 (VCV003054977.2), dbSNP rs981535795, ClinGen allele CA22636910.
Genomic context (GRCh38, chr1:53,276,807, plus strand): 5'-GCCCAGGTGCACGCACTCGCCGCTGCGGCAGGCGAACTGGGAGGCGGTGGCGCAGGCGGC[G>C]GGCGCGGACGTGGCCCCGGGGCCCGGACGGCCGCAGAGCTCGGCTGCCTCGTCCGAGCGG-3'
Protein context (NP_004622.2, residues 246-266): GRPGPGATSA[Pro256=]AACATASQFA

ClinVar aggregate classification (germline): Likely benign (0 of 4 stars; one submission).

Conditions:
LRP8-related disorder. Also called: LRP8-related condition.

Allele frequency attached by ClinVar (database versions not stated): gnomAD 0.00009; TOPMed 0.00024.
gnomAD v4.1: 34 of 1,270,592 alleles (0.0027%); highest among the groups gnomAD compares: Admixed American, 0.14%; no homozygotes.

Submission:

PreventionGenetics, part of Exact Sciences
Classification: Likely benign for LRP8-related condition. Last evaluated: 2021-04-21. Review status: no assertion criteria provided. Collection method: clinical testing. Allele origin: germline.
Comment: This variant is classified as likely benign based on ACMG/AMP sequence variant interpretation guidelines (Richards et al. 2015 PMID: 25741868, with internal and published modifications).